The following is an entry in ClinVar:

ClinVar aggregate classification (germline): Uncertain significance (1 of 4 stars; one submission).

Conditions:
Bardet-Biedl syndrome (BBS). Identifiers: Orphanet 110, MedGen C0752166, MONDO:0015229.

Submission:

Labcorp Genetics (formerly Invitae), Labcorp
Classification: Uncertain significance for Bardet-Biedl syndrome. Last evaluated: 2025-09-02. Review status: criteria provided, single submitter. Criteria: Invitae Variant Classification Sherloc (09022015). Collection method: clinical testing. Allele origin: germline.
Comment: This sequence change replaces glutamine, which is neutral and polar, with arginine, which is basic and polar, at codon 319 of the BBS4 protein (p.Gln319Arg). This variant is not present in population databases (gnomAD no frequency). This variant has not been reported in the literature in individuals affected with BBS4-related conditions. ClinVar contains an entry for this variant (Variation ID: 1468107). Invitae Evidence Modeling of protein sequence and biophysical properties (such as structural, functional, and spatial information, amino acid conservation, physicochemical variation, residue mobility, and thermodynamic stability) indicates that this missense variant is not expected to disrupt BBS4 protein function with a negative predictive value of 80%. In summary, the available evidence is currently insufficient to determine the role of this variant in disease. Therefore, it has been classified as a Variant of Uncertain Significance.

NM_033028.5(BBS4):c.956A>G (p.Gln319Arg)

Gene: BBS4 (Bardet-Biedl syndrome 4; plus strand). Cytogenetic location: 15q24.1.
Variant type: single nucleotide variant.
Coding change: c.956A>G on transcript NM_033028.5 (MANE Select); coding-DNA position 956, A replaced by G.
Protein change: p.Gln319Arg; replaces glutamine 319 with arginine.
Molecular consequence: missense variant. On other transcripts: non-coding transcript variant (2).
Genome position (GRCh38, 1-based): chr15:72,731,646, A>G. VCF-style: chr15-72731646-A-G. GRCh37 (hg19) VCF-style: chr15-73023987-A-G.
Other names: c.440A>G, p.Gln147Arg (NM_001252678.2); c.887A>G, p.Gln296Arg (NM_001320665.2); short protein forms Q147R, Q296R, Q319R.
Identifiers: ClinVar variation 1468107 (VCV001468107.8), dbSNP rs1595948085, ClinGen allele CA393078923.